The following is an entry in ClinVar:

NM_004260.4(RECQL4):c.1163A>T (p.Glu388Val)

Gene: RECQL4 (RecQ like helicase 4; minus strand). Cytogenetic location: 8q24.3.
Variant type: single nucleotide variant.
Coding change: c.1163A>T on transcript NM_004260.4 (MANE Select); coding-DNA position 1163, A replaced by T.
Protein change: p.Glu388Val; replaces glutamic acid 388 with valine.
Molecular consequence: missense variant. On other transcripts: synonymous variant (5), non-coding transcript variant (3), intron variant (1).
Genome position (GRCh38, 1-based): chr8:144,515,859, T>A on the plus strand (A>T on the coding strand, the complement: RECQL4 is on the minus strand). VCF-style: chr8-144515859-T-A. GRCh37 (hg19) VCF-style: chr8-145741243-T-A.
Other names: c.1067A>T, p.Glu356Val (NM_001413017.1, NM_001413020.1); c.1163A>T, p.Glu388Val (NM_001413018.1, NM_001413019.1, NM_001413033.1 and 2 more transcripts); c.92A>T, p.Glu31Val (NM_001413021.1, NM_001413022.1, NM_001413023.1 and 8 more transcripts); c.1034A>T, p.Glu345Val (NM_001413025.1); c.30A>T, p.Gly10= (NM_001413027.1, NM_001413030.1, NM_001413031.1 and 2 more transcripts); c.812A>T, p.Glu271Val (NM_001413029.1); c.-210+129A>T (NM_001413043.1); short protein forms E388V, E271V, E31V, E345V, E356V.
Identifiers: ClinVar variation 3431893 (VCV003431893.2).

ClinVar aggregate classification (germline): Uncertain significance. Review status: criteria provided, multiple submitters, no conflicts (2 of 4 stars). 2 submissions from 2 submitters: Uncertain significance (2). Last evaluated 2025-10-24.

Conditions:
Inborn genetic diseases. Identifiers: MedGen C0950123, MeSH D030342.
Baller-Gerold syndrome (BGS). Also called: CRANIOSYNOSTOSIS WITH RADIAL DEFECTS. Identifiers: Orphanet 1225, MedGen C0265308, MONDO:0009039, OMIM 218600.

Submissions (2):

Labcorp Genetics (formerly Invitae), Labcorp
Classification: Uncertain significance for Baller-Gerold syndrome. Last evaluated: 2025-10-24. Review status: criteria provided, single submitter. Criteria: Invitae Variant Classification Sherloc (09022015). Collection method: clinical testing. Allele origin: germline.
Comment: This sequence change replaces glutamic acid, which is acidic and polar, with valine, which is neutral and non-polar, at codon 388 of the RECQL4 protein (p.Glu388Val). This variant is not present in population databases (gnomAD no frequency). This variant has not been reported in the literature in individuals affected with RECQL4-related conditions. ClinVar contains an entry for this variant (Variation ID: 3431893). Invitae Evidence Modeling of protein sequence and biophysical properties (such as structural, functional, and spatial information, amino acid conservation, physicochemical variation, residue mobility, and thermodynamic stability) indicates that this missense variant is not expected to disrupt RECQL4 protein function with a negative predictive value of 80%. Algorithms developed to predict the effect of sequence changes on RNA splicing suggest that this variant may disrupt the consensus splice site. In summary, the available evidence is currently insufficient to determine the role of this variant in disease. Therefore, it has been classified as a Variant of Uncertain Significance.

Ambry Genetics
Classification: Uncertain significance for Inborn genetic diseases. Last evaluated: 2024-11-28. Review status: criteria provided, single submitter. Criteria: Ambry Variant Classification Scheme 2023. Collection method: clinical testing. Allele origin: germline.
Comment: The p.E388V variant (also known as c.1163A>T), located in coding exon 6 of the RECQL4 gene, results from an A to T substitution at nucleotide position 1163. The glutamic acid at codon 388 is replaced by valine, an amino acid with dissimilar properties. This amino acid position is conserved. In addition, this alteration is predicted to be tolerated by in silico analysis. Based on the available evidence, the clinical significance of this variant remains unclear.